The following is an entry in ClinVar:

ClinVar aggregate classification (germline): Pathogenic (1 of 4 stars; one submission).

Allele frequency attached by ClinVar (database versions not stated): gnomAD exomes below 0.00001.

Submission:

Labcorp Genetics (formerly Invitae), Labcorp
Classification: Pathogenic. Last evaluated: 2022-08-10. Review status: criteria provided, single submitter. Criteria: Invitae Variant Classification Sherloc (09022015). Collection method: clinical testing. Allele origin: germline.
Comment: For these reasons, this variant has been classified as Pathogenic. This variant has not been reported in the literature in individuals affected with AIMP1-related conditions. This variant is not present in population databases (gnomAD no frequency). This sequence change creates a premature translational stop signal (p.Lys26Asnfs*17) in the AIMP1 gene. It is expected to result in an absent or disrupted protein product. Loss-of-function variants in AIMP1 are known to be pathogenic (PMID: 21092922).

Literature cited by the submitters: PubMed 21092922.

NM_001142416.2(AIMP1):c.78del (p.Lys26fs)

Gene: AIMP1 (aminoacyl tRNA synthetase complex interacting multifunctional protein 1; plus strand). Cytogenetic location: 4q24.
Variant type: Deletion.
Coding change: c.78del on transcript NM_001142416.2 (MANE Select); coding-DNA position 78, one base deleted (G; older notation c.78delG).
Protein change: p.Lys26fs; shifts the reading frame from lysine 26.
Molecular consequence: frameshift variant.
Genome position (GRCh38, 1-based): chr4:106,325,087, G deleted. VCF-style (leftmost placement, unchanged base first): chr4-106325086-AG-A. GRCh37 (hg19) VCF-style: chr4-107246243-AG-A.
Other names: c.78del, p.Lys26fs (NM_001142415.2, NM_004757.4); short protein forms K26fs.
Identifiers: ClinVar variation 2088801 (VCV002088801.4), dbSNP rs2476179011, ClinGen allele CA2578162575.